The following is an entry in ClinVar:

NM_000535.7(PMS2):c.1325C>T (p.Pro442Leu)

Gene: PMS2 (PMS1 homolog 2, mismatch repair system component; minus strand). Cytogenetic location: 7p22.1.
Variant type: single nucleotide variant.
Coding change: c.1325C>T on transcript NM_000535.7 (MANE Select); coding-DNA position 1325, C replaced by T.
Protein change: p.Pro442Leu; replaces proline 442 with leucine.
Molecular consequence: missense variant. On other transcripts: non-coding transcript variant (1), intron variant (1).
Genome position (GRCh38, 1-based): chr7:5,987,440, G>A on the plus strand (C>T on the coding strand, the complement: PMS2 is on the minus strand). VCF-style: chr7-5987440-G-A. GRCh37 (hg19) VCF-style: chr7-6027071-G-A.
Other names: c.920C>T, p.Pro307Leu (NM_001406897.1, NM_001406898.1, NM_001406899.1 and 17 more transcripts); c.860C>T, p.Pro287Leu (NM_001406900.1); c.851C>T, p.Pro284Leu (NM_001406901.1, NM_001406902.1); c.1007C>T, p.Pro336Leu (NM_001406903.1, NM_001322008.2, NM_001322007.2 and 2 more transcripts); c.812C>T, p.Pro271Leu (NM_001406904.1, NM_001406905.1); c.764C>T, p.Pro255Leu (NM_001406906.1, NM_001406907.1, NM_001322010.2); c.752C>T, p.Pro251Leu (NM_001406909.1, NM_001322013.2); c.554C>T, p.Pro185Leu (NM_001406911.1); and 13 more; short protein forms P251L, P271L, P334L, P390L, P284L, P307L, P330L, P406L.
Identifiers: ClinVar variation 2755728 (VCV002755728.3), dbSNP rs1783133970, ClinGen allele CA366742329.

ClinVar aggregate classification (germline): Uncertain significance (1 of 4 stars; one submission).

Conditions:
Hereditary nonpolyposis colorectal neoplasms. Identifiers: MedGen C0009405, MeSH D003123.

Submission:

Labcorp Genetics (formerly Invitae), Labcorp
Classification: Uncertain significance for Hereditary nonpolyposis colorectal neoplasms. Last evaluated: 2023-08-27. Review status: criteria provided, single submitter. Criteria: Invitae Variant Classification Sherloc (09022015). Collection method: clinical testing. Allele origin: germline.
Comment: In summary, the available evidence is currently insufficient to determine the role of this variant in disease. Therefore, it has been classified as a Variant of Uncertain Significance. Advanced modeling of protein sequence and biophysical properties (such as structural, functional, and spatial information, amino acid conservation, physicochemical variation, residue mobility, and thermodynamic stability) performed at Invitae indicates that this missense variant is not expected to disrupt PMS2 protein function. This variant has not been reported in the literature in individuals affected with PMS2-related conditions. This variant is not present in population databases (gnomAD no frequency). This sequence change replaces proline, which is neutral and non-polar, with leucine, which is neutral and non-polar, at codon 442 of the PMS2 protein (p.Pro442Leu).